The following is an entry in ClinVar:

NM_015512.5(DNAH1):c.9814C>T (p.Arg3272Cys)

Gene: DNAH1 (dynein axonemal heavy chain 1; plus strand). Cytogenetic location: 3p21.1.
Variant type: single nucleotide variant.
Coding change: c.9814C>T on transcript NM_015512.5 (MANE Select); coding-DNA position 9814, C replaced by T.
Protein change: p.Arg3272Cys; replaces arginine 3272 with cysteine.
Molecular consequence: missense variant.
Genome position (GRCh38, 1-based): chr3:52,391,251, C>T. VCF-style: chr3-52391251-C-T. GRCh37 (hg19) VCF-style: chr3-52425267-C-T.
Other names: p.Arg3272Cys; short protein forms R3272C.
Identifiers: ClinVar variation 569725 (VCV000569725.32), dbSNP rs200784189, ClinGen allele CA2435625.

ClinVar aggregate classification (germline): Uncertain significance. Review status: criteria provided, multiple submitters, no conflicts (2 of 4 stars). 6 submissions from 5 submitters: Uncertain significance (6). Last evaluated 2025-07-01.

Conditions:
Spermatogenic failure 18. Identifiers: MedGen C4539783, MONDO:0054615, OMIM 617576.
Ciliary dyskinesia, primary, 37 (CILD37). Also called: CILIARY DYSKINESIA, PRIMARY, 37, WITH OR WITHOUT SITUS INVERSUS. Identifiers: MedGen C4539798, MONDO:0033204, OMIM 617577.

Allele frequency attached by ClinVar (database versions not stated): 1000 Genomes Project 0.00020; gnomAD exomes 0.00074 and 0.00136; ExAC 0.00079; gnomAD 0.00080 and 0.00085; TOPMed 0.00096; ESP Exome Variant Server 0.00117; 1000 Genomes Project 30x 0.00016.
gnomAD v4.1: 2,067 of 1,613,662 alleles (0.13%); highest among the groups gnomAD compares: Non-Finnish European, 0.16%; 6 homozygotes.

Submissions (6):

CeGaT Center for Human Genetics Tuebingen
Classification: Uncertain significance. Last evaluated: 2025-07-01. Review status: criteria provided, single submitter. Criteria: CeGaT Center For Human Genetics Tuebingen Variant Classification Criteria Version 2. Collection method: clinical testing. Allele origin: germline. Affected: yes. Observed: 2 variant alleles.
Comment: DNAH1: PM3, PM2:Supporting

Blueprint Genetics
Classification: Uncertain significance. Last evaluated: 2024-09-30. Review status: criteria provided, single submitter. Criteria: ACMG Guidelines, 2015. Collection method: clinical testing. Allele origin: germline.

Baylor Genetics
Classification: Uncertain significance for Ciliary dyskinesia, primary, 37. Last evaluated: 2023-11-15. Review status: criteria provided, single submitter. Criteria: ACMG Guidelines, 2015. Collection method: clinical testing. Allele origin: unknown.

Mayo Clinic Laboratories, Mayo Clinic
Classification: Uncertain significance. Last evaluated: 2023-04-25. Review status: criteria provided, single submitter. Criteria: ACMG Guidelines, 2015. Collection method: clinical testing. Allele origin: germline. Observed: 1 variant allele.

Labcorp Genetics (formerly Invitae), Labcorp
Classification: Uncertain significance for Ciliary dyskinesia, primary, 37; Spermatogenic failure 18. Last evaluated: 2022-08-19. Review status: criteria provided, single submitter. Criteria: Invitae Variant Classification Sherloc (09022015). Collection method: clinical testing. Allele origin: germline.
Comment: This sequence change replaces arginine, which is basic and polar, with cysteine, which is neutral and slightly polar, at codon 3272 of the DNAH1 protein (p.Arg3272Cys). This variant is present in population databases (rs200784189, gnomAD 0.1%), and has an allele count higher than expected for a pathogenic variant. This variant has not been reported in the literature in individuals affected with DNAH1-related conditions. ClinVar contains an entry for this variant (Variation ID: 569725). Algorithms developed to predict the effect of missense changes on protein structure and function are either unavailable or do not agree on the potential impact of this missense change (SIFT: "Deleterious"; PolyPhen-2: "Probably Damaging"; Align-GVGD: "Class C0"). In summary, the available evidence is currently insufficient to determine the role of this variant in disease. Therefore, it has been classified as a Variant of Uncertain Significance.

Baylor Genetics
Classification: Uncertain significance for Spermatogenic failure 18. Last evaluated: 2018-03-26. Review status: criteria provided, single submitter. Criteria: ACMG Guidelines, 2015. Collection method: clinical testing. Allele origin: maternal. Affected: yes.
Comment: This variant was determined to be of uncertain significance according to ACMG Guidelines, 2015 [PMID:25741868].